The following is an entry in ClinVar:

NM_001193313.2(SUGCT):c.192T>A (p.Asp64Glu)

Gene: SUGCT (succinyl-CoA:glutarate-CoA transferase; plus strand). Cytogenetic location: 7p14.1.
Variant type: single nucleotide variant.
Coding change: c.192T>A on transcript NM_001193313.2 (MANE Select); coding-DNA position 192, T replaced by A.
Protein change: p.Asp64Glu; replaces aspartic acid 64 with glutamic acid.
Molecular consequence: missense variant.
Genome position (GRCh38, 1-based): chr7:40,181,994, T>A. VCF-style: chr7-40181994-T-A. GRCh37 (hg19) VCF-style: chr7-40221593-T-A.
Other names: c.192T>A, p.Asp64Glu (NM_001193311.2, NM_001193312.2, NM_024728.3); short protein forms D64E.
Identifiers: ClinVar variation 2046203 (VCV002046203.3), dbSNP rs199580919, ClinGen allele CA4229363.

ClinVar aggregate classification (germline): Uncertain significance. Review status: criteria provided, multiple submitters, no conflicts (2 of 4 stars). 2 submissions from 2 submitters: Uncertain significance (2). Last evaluated 2023-10-05.

Allele frequency attached by ClinVar (database versions not stated): ESP Exome Variant Server 0.00009; gnomAD 0.00027; TOPMed 0.00034; ExAC 0.00039; gnomAD exomes 0.00048.
gnomAD v4.1: 729 of 1,602,740 alleles (0.045%); highest among the groups gnomAD compares: Non-Finnish European, 0.054%; no homozygotes.

Submissions (2):

Labcorp Genetics (formerly Invitae), Labcorp
Classification: Uncertain significance. Last evaluated: 2023-10-05. Review status: criteria provided, single submitter. Criteria: Invitae Variant Classification Sherloc (09022015). Collection method: clinical testing. Allele origin: germline.
Comment: This sequence change replaces aspartic acid, which is acidic and polar, with glutamic acid, which is acidic and polar, at codon 71 of the SUGCT protein (p.Asp71Glu). This variant is present in population databases (rs199580919, gnomAD 0.07%). This variant has not been reported in the literature in individuals affected with SUGCT-related conditions. ClinVar contains an entry for this variant (Variation ID: 2046203). Experimental studies and prediction algorithms are not available or were not evaluated, and the functional significance of this variant is currently unknown. In summary, the available evidence is currently insufficient to determine the role of this variant in disease. Therefore, it has been classified as a Variant of Uncertain Significance.

Ambry Genetics
Classification: Uncertain significance. Last evaluated: 2022-11-18. Review status: criteria provided, single submitter. Criteria: Ambry Variant Classification Scheme 2023. Collection method: clinical testing. Allele origin: germline.